The following is an entry in ClinVar:

ClinVar aggregate classification (germline): Uncertain significance (1 of 4 stars; one submission).

Allele frequency attached by ClinVar (database versions not stated): gnomAD 0.00001; gnomAD exomes 0.00001; TOPMed 0.00001; ExAC 0.00002.
gnomAD v4.1: 6 of 1,613,946 alleles (0.00037%); highest among the groups gnomAD compares: Admixed American, 0.005%; no homozygotes.

Submission:

Labcorp Genetics (formerly Invitae), Labcorp
Classification: Uncertain significance. Last evaluated: 2026-02-02. Review status: criteria provided, single submitter. Criteria: Invitae Variant Classification Sherloc (09022015). Collection method: clinical testing. Allele origin: germline.
Comment: This sequence change replaces serine, which is neutral and polar, with cysteine, which is neutral and slightly polar, at codon 554 of the PCLO protein (p.Ser554Cys). This variant is present in population databases (rs779974489, gnomAD 0.006%). This variant has not been reported in the literature in individuals affected with PCLO-related conditions. ClinVar contains an entry for this variant (Variation ID: 1472455). An algorithm developed to predict the effect of missense changes on protein structure and function (PolyPhen-2) suggests that this variant is likely to be disruptive. In summary, the available evidence is currently insufficient to determine the role of this variant in disease. Therefore, it has been classified as a Variant of Uncertain Significance.

NM_033026.6(PCLO):c.1661C>G (p.Ser554Cys)

Gene: PCLO (piccolo presynaptic cytomatrix protein; minus strand). Cytogenetic location: 7q21.11.
Variant type: single nucleotide variant.
Coding change: c.1661C>G on transcript NM_033026.6 (MANE Select); coding-DNA position 1661, C replaced by G.
Protein change: p.Ser554Cys; replaces serine 554 with cysteine.
Molecular consequence: missense variant.
Genome position (GRCh38, 1-based): chr7:83,154,980, G>C on the plus strand (C>G on the coding strand, the complement: PCLO is on the minus strand). VCF-style: chr7-83154980-G-C. GRCh37 (hg19) VCF-style: chr7-82784296-G-C.
Other names: c.1661C>G, p.Ser554Cys (NM_014510.3); short protein forms S554C.
Identifiers: ClinVar variation 1472455 (VCV001472455.4), dbSNP rs779974489, ClinGen allele CA4321397.